The following is an entry in ClinVar:

ClinVar aggregate classification (germline): Uncertain significance. Review status: criteria provided, multiple submitters, no conflicts (2 of 4 stars). 5 submissions from 5 submitters: Uncertain significance (5). Last evaluated 2025-12-08.

Conditions:
Chudley-McCullough syndrome (CMCS). Also called: DEAFNESS, SENSORINEURAL, WITH PARTIAL AGENESIS OF THE CORPUS CALLOSUM AND ARACHNOID CYSTS; Deafness, autosomal recessive 82. Identifiers: Orphanet 314597, MedGen C1858695, MONDO:0011411, OMIM 604213.
Inborn genetic diseases. Identifiers: MedGen C0950123, MeSH D030342.

Allele frequency attached by ClinVar (database versions not stated): gnomAD exomes 0.00005; TOPMed 0.00007; ExAC 0.00005; gnomAD 0.00007; ESP Exome Variant Server 0.00008.
gnomAD v4.1: 37 of 1,613,406 alleles (0.0023%); highest among the groups gnomAD compares: Admixed American, 0.005%; no homozygotes.

Submissions (5):

Labcorp Genetics (formerly Invitae), Labcorp
Classification: Uncertain significance. Last evaluated: 2025-12-08. Review status: criteria provided, single submitter. Criteria: Invitae Variant Classification Sherloc (09022015). Collection method: clinical testing. Allele origin: germline.
Comment: This sequence change replaces serine, which is neutral and polar, with asparagine, which is neutral and polar, at codon 565 of the GPSM2 protein (p.Ser565Asn). This variant is present in population databases (rs199536935, gnomAD 0.009%). This variant has not been reported in the literature in individuals affected with GPSM2-related conditions. ClinVar contains an entry for this variant (Variation ID: 873667). Invitae Evidence Modeling of protein sequence and biophysical properties (such as structural, functional, and spatial information, amino acid conservation, physicochemical variation, residue mobility, and thermodynamic stability) indicates that this missense variant is not expected to disrupt GPSM2 protein function with a negative predictive value of 80%. In summary, the available evidence is currently insufficient to determine the role of this variant in disease. Therefore, it has been classified as a Variant of Uncertain Significance.

Blueprint Genetics
Classification: Uncertain significance. Last evaluated: 2024-10-07. Review status: criteria provided, single submitter. Criteria: ACMG Guidelines, 2015. Collection method: clinical testing. Allele origin: germline.

GeneDx
Classification: Uncertain significance. Last evaluated: 2024-07-09. Review status: criteria provided, single submitter. Criteria: GeneDx Variant Classification Process June 2021. Collection method: clinical testing. Allele origin: germline. Affected: yes.
Comment: Not observed at significant frequency in large population cohorts (gnomAD); In silico analysis indicates that this missense variant does not alter protein structure/function; Has not been previously published as pathogenic or benign to our knowledge

Ambry Genetics
Classification: Uncertain significance for Inborn genetic diseases. Last evaluated: 2024-06-17. Review status: criteria provided, single submitter. Criteria: Ambry Variant Classification Scheme 2023. Collection method: clinical testing. Allele origin: germline.

Illumina Laboratory Services, Illumina
Classification: Uncertain significance for Chudley-McCullough syndrome. Last evaluated: 2018-01-12. Review status: criteria provided, single submitter. Criteria: ICSL Variant Classification Criteria 13 December 2019. Collection method: clinical testing. Allele origin: germline.

NM_013296.5(GPSM2):c.1694G>A (p.Ser565Asn)

Gene: GPSM2 (G protein signaling modulator 2; plus strand). Cytogenetic location: 1p13.3.
Variant type: single nucleotide variant.
Coding change: c.1694G>A on transcript NM_013296.5 (MANE Select); coding-DNA position 1694, G replaced by A.
Protein change: p.Ser565Asn; replaces serine 565 with asparagine.
Molecular consequence: missense variant.
Genome position (GRCh38, 1-based): chr1:108,924,093, G>A. VCF-style: chr1-108924093-G-A. GRCh37 (hg19) VCF-style: chr1-109466715-G-A.
Other names: c.1694G>A, p.Ser565Asn (NM_001321038.2, NM_001321039.3); short protein forms S565N.
Identifiers: ClinVar variation 873667 (VCV000873667.13), dbSNP rs199536935, ClinGen allele CA983154.